The following is an entry in ClinVar:

ClinVar aggregate classification (germline): Uncertain significance (1 of 4 stars; one submission).

Allele frequency attached by ClinVar (database versions not stated): ESP Exome Variant Server 0.00054; TOPMed 0.00054; ExAC 0.00073; gnomAD 0.00082; gnomAD exomes 0.00082.
gnomAD v4.1: 1,305 of 1,613,562 alleles (0.081%); highest among the groups gnomAD compares: Non-Finnish European, 0.097%; 1 homozygote.

Submission:

Ambry Genetics
Classification: Uncertain significance. Last evaluated: 2021-06-11. Review status: criteria provided, single submitter. Criteria: Ambry Variant Classification Scheme 2023. Collection method: clinical testing. Allele origin: germline.
Comment: The c.1123A>G (p.N375D) alteration is located in exon (coding exon ) of the SH3RF3 gene. This alteration results from a A to G substitution at nucleotide position 1123, causing the asparagine (N) at amino acid position 375 to be replaced by an aspartic acid (D). Based on insufficient or conflicting evidence, the clinical significance of this alteration remains unclear.

NM_001099289.3(SH3RF3):c.1123A>G (p.Asn375Asp)

Genes: RANBP2 (RAN binding protein 2; plus strand), SH3RF3 (SH3 domain containing ring finger 3; plus strand). Cytogenetic location: 2q13.
Variant type: single nucleotide variant.
Coding change: c.1123A>G on transcript NM_001099289.3 (MANE Select); coding-DNA position 1123, A replaced by G.
Protein change: p.Asn375Asp; replaces asparagine 375 with aspartic acid.
Molecular consequence: missense variant.
Genome position (GRCh38, 1-based): chr2:109,398,767, A>G. VCF-style: chr2-109398767-A-G. GRCh37 (hg19) VCF-style: chr2-110015223-A-G.
Other names: short protein forms N375D.
Identifiers: ClinVar variation 3161407 (VCV003161407.1), dbSNP rs201884932, ClinGen allele CA1825550.
Genomic context (GRCh38, chr2:109,398,767, plus strand): 5'-CCCACTTTAAGCAGCTCAGGGGCGGTCAGTGCCTTTCAGCGGCGTGTGGATGGCAAGAAG[A>G]ACACCAAGAAACGCCACTCCTTCACCGCGCTCAGTGTGACGCACAGATCCTCCCAGGCTG-3'
Protein context (NP_001092759.1, residues 365-385): AFQRRVDGKK[Asn375Asp]TKKRHSFTAL